The following is an entry in ClinVar:

NM_005141.5(FGB):c.959-13_959-10del

Gene: FGB (fibrinogen beta chain; plus strand). Cytogenetic location: 4q31.3.
Variant type: Deletion.
Coding change: c.959-13_959-10del on transcript NM_005141.5 (MANE Select); 13 bases into the intron before coding-DNA position 959 through 10 bases into the intron before coding-DNA position 959, 4 bases deleted (GTTT; older notation c.959-13_959-10delGTTT).
Molecular consequence: intron variant.
Genome position (GRCh38, 1-based): chr4:154,569,501-154,569,504, GTTT deleted; deleting any 4 consecutive bases within chr4:154,569,498-154,569,504 gives the same sequence; the c. name uses the placement nearest the transcript's 3' end. VCF-style (leftmost placement, unchanged base first): chr4-154569497-TTTTG-T. GRCh37 (hg19) VCF-style: chr4-155490649-TTTTG-T.
Other names: NC_000004.11:g.155490653_155490656del; p.?; c.782-13_782-10del (NM_001184741.1); c.959-13_959-10del (NM_001382761.1, NM_001382760.1, NM_001382765.1 and 1 more transcripts); c.950-13_950-10del (NM_001382763.1); c.746-100_746-97del (NM_001382762.1); c.827-13_827-10del (NM_001382759.1); c.959-16_959-13delTTTG (NM_005141.4); and 1 more.
Identifiers: ClinVar variation 259650 (VCV000259650.17), dbSNP rs140114081, ClinGen allele CA3114694.
Genomic context (GRCh38, chr4:154,569,497, plus strand): 5'-AAGATAAGGGAAGAAAGGCAGTTTTTAGTTTCCCAAAATTTTATTTTTGGTGAGATTTTA[TTTTG>T]TTTTTCTTTTAGGTGAATATTGGCTTGGAAATGATAAAATTAGCCAGCTTACCAGGATGG-3'

ClinVar aggregate classification (germline): Benign/Likely benign. Review status: criteria provided, multiple submitters, no conflicts (2 of 4 stars). 6 submissions from 6 submitters: Benign (5); Likely benign (1). Last evaluated 2026-05-11.

Conditions:
Congenital afibrinogenemia. Identifiers: Orphanet 335, Orphanet 98880, MedGen C2584774, MONDO:0008737, OMIM 202400.

Submissions (7):

Women's Health and Genetics/Laboratory Corporation of America, LabCorp
Classification: Benign. Last evaluated: 2026-05-11. Review status: criteria provided, single submitter. Criteria: LabCorp Variant Classification Summary - May 2015. Collection method: clinical testing. Allele origin: germline.

Labcorp Genetics (formerly Invitae), Labcorp
Classification: Benign. Last evaluated: 2026-02-03. Review status: criteria provided, single submitter. Criteria: Invitae Variant Classification Sherloc (09022015). Collection method: clinical testing. Allele origin: germline.

Mayo Clinic Laboratories, Mayo Clinic
Classification: Likely benign. Last evaluated: 2024-12-24. Review status: criteria provided, single submitter. Criteria: ACMG Guidelines, 2015. Collection method: clinical testing. Allele origin: germline. Observed: 26 variant alleles.
Comment: BA1, BP7

Genome-Nilou Lab
Classification: Benign for Congenital afibrinogenemia. Last evaluated: 2021-08-10. Review status: criteria provided, single submitter. Criteria: ACMG Guidelines, 2015. Collection method: clinical testing. Allele origin: germline. Affected: no.

GeneDx
Classification: Benign. Last evaluated: 2021-06-10. Review status: criteria provided, single submitter. Criteria: GeneDx Variant Classification Process June 2021. Collection method: clinical testing. Allele origin: germline. Affected: yes.

PreventionGenetics, part of Exact Sciences
Classification: Benign. Review status: criteria provided, single submitter. Criteria: ACMG Guidelines, 2015. Collection method: clinical testing. Allele origin: germline.

Dr. Peter K. Rogan Lab, Western University
No classification provided (evidence only). Condition: Cholangiocarcinoma. Review status: no classification provided. Collection method: in vitro. Allele origin: not applicable. Functional consequence: retained intron. Not counted in ClinVar's aggregate classification.